The following is an entry in ClinVar:

NM_024675.4(PALB2):c.3077dup (p.Leu1027fs)

Gene: PALB2 (partner and localizer of BRCA2; minus strand). Cytogenetic location: 16p12.2.
Variant type: Duplication.
Coding change: c.3077dup on transcript NM_024675.4 (MANE Select); coding-DNA position 3077, one base duplicated (T; older notation c.3077dupT).
Protein change: p.Leu1027fs; shifts the reading frame from leucine 1027.
Molecular consequence: frameshift variant. On other transcripts: intron variant (1).
Genome position (GRCh38, 1-based): chr16:23,621,398, A duplicated on the plus strand (T on the coding strand, the reverse complement: PALB2 is on the minus strand). VCF-style (leftmost placement, unchanged base first): chr16-23621397-C-CA. GRCh37 (hg19) VCF-style: chr16-23632718-C-CA.
Other names: c.3077dup, p.Leu1027fs (NM_001407301.1, NM_001407299.1); c.2915dup, p.Leu973fs (NM_001407302.1, NM_001407298.1); c.2192dup, p.Leu732fs (NM_001407304.1, NM_001407305.1, NM_001407306.1 and 4 more transcripts); c.2030dup, p.Leu678fs (NM_001407307.1); c.1289dup, p.Leu431fs (NM_001407312.1, NM_001407313.1); c.611dup, p.Leu205fs (NM_001407314.1); c.2834+2611dup (NM_001407300.1); c.3017dup, p.Leu1007fs (NM_001407296.1); and 2 more; short protein forms L1007fs, L1027fs, L205fs, L1003fs, L678fs, L431fs, L732fs, L973fs.
Identifiers: ClinVar variation 2702376 (VCV002702376.4), dbSNP rs2506318177, ClinGen allele CA2697555709.

ClinVar aggregate classification (germline): Pathogenic. Review status: criteria provided, multiple submitters, no conflicts (2 of 4 stars). 3 submissions from 3 submitters: Pathogenic (3). Last evaluated 2024-03-12.

Conditions:
Hereditary cancer-predisposing syndrome. Also called: Hereditary neoplastic syndrome; Neoplastic Syndromes, Hereditary; Hereditary Cancer Syndrome; Tumor predisposition. Identifiers: Orphanet 140162, MedGen C0027672, MeSH D009386, MONDO:0015356.
Familial cancer of breast. Also called: Hereditary breast cancer; BREAST CANCER, FAMILIAL; hereditary breast carcinoma. Identifiers: Orphanet 227535, MedGen C0346153, MONDO:0016419, OMIM 114480. Disease mechanism: loss of function.

Submissions (3):

Ambry Genetics
Classification: Pathogenic for Hereditary cancer-predisposing syndrome. Last evaluated: 2024-03-12. Review status: criteria provided, single submitter. Criteria: Ambry Variant Classification Scheme 2023. Collection method: clinical testing. Allele origin: germline.
Comment: The c.3077dupT pathogenic mutation, located in coding exon 10 of the PALB2 gene, results from a duplication of T at nucleotide position 3077, causing a translational frameshift with a predicted alternate stop codon (p.L1027Afs*26). This alteration is expected to result in loss of function by premature protein truncation or nonsense-mediated mRNA decay. As such, this alteration is interpreted as a disease-causing mutation.

Myriad Genetics, Inc.
Classification: Pathogenic for Familial cancer of breast. Last evaluated: 2023-12-20. Review status: criteria provided, single submitter. Criteria: Myriad Autosomal Dominant, Autosomal Recessive and X-Linked Classification Criteria (2023). Collection method: clinical testing. Allele origin: unknown.
Comment: This variant is considered pathogenic. This variant creates a frameshift predicted to result in premature protein truncation.

Labcorp Genetics (formerly Invitae), Labcorp
Classification: Pathogenic for Familial cancer of breast. Last evaluated: 2023-12-12. Review status: criteria provided, single submitter. Criteria: Invitae Variant Classification Sherloc (09022015). Collection method: clinical testing. Allele origin: germline.
Comment: This sequence change creates a premature translational stop signal (p.Leu1027Alafs*26) in the PALB2 gene. It is expected to result in an absent or disrupted protein product. Loss-of-function variants in PALB2 are known to be pathogenic (PMID: 17200668, 17200671, 17200672, 24136930, 25099575). This variant is not present in population databases (gnomAD no frequency). This variant has not been reported in the literature in individuals affected with PALB2-related conditions. For these reasons, this variant has been classified as Pathogenic.

Literature cited by the submitters: PubMed 17200668 (cited by Labcorp Genetics (formerly Invitae), Labcorp); PubMed 17200671 (cited by Labcorp Genetics (formerly Invitae), Labcorp); PubMed 17200672 (cited by Labcorp Genetics (formerly Invitae), Labcorp); PubMed 24136930 (cited by Labcorp Genetics (formerly Invitae), Labcorp); PubMed 25099575 (cited by Labcorp Genetics (formerly Invitae), Labcorp).